The following is an entry in ClinVar:

ClinVar aggregate classification (germline): Uncertain significance (1 of 4 stars; one submission).

gnomAD v4.1: 3 of 1,614,168 alleles (0.00019%); highest among the groups gnomAD compares: Non-Finnish European, 0.00025%; no homozygotes.

Submission:

Ambry Genetics
Classification: Uncertain significance. Last evaluated: 2024-07-15. Review status: criteria provided, single submitter. Criteria: Ambry Variant Classification Scheme 2023. Collection method: clinical testing. Allele origin: germline.
Comment: The p.A837P variant (also known as c.2509G>C), located in coding exon 13 of the NPAT gene, results from a G to C substitution at nucleotide position 2509. The alanine at codon 837 is replaced by proline, an amino acid with highly similar properties. This amino acid position is conserved. In addition, this alteration is predicted to be tolerated by in silico analysis. Based on the available evidence, the clinical significance of this variant remains unclear.

NM_002519.3(NPAT):c.2509G>C (p.Ala837Pro)

Gene: NPAT (nuclear protein, coactivator of histone transcription; minus strand). Cytogenetic location: 11q22.3.
Variant type: single nucleotide variant.
Coding change: c.2509G>C on transcript NM_002519.3 (MANE Select); coding-DNA position 2509, G replaced by C.
Protein change: p.Ala837Pro; replaces alanine 837 with proline.
Molecular consequence: missense variant.
Genome position (GRCh38, 1-based): chr11:108,172,475, C>G on the plus strand (G>C on the coding strand, the complement: NPAT is on the minus strand). VCF-style: chr11-108172475-C-G. GRCh37 (hg19) VCF-style: chr11-108043202-C-G.
Other names: c.2509G>C, p.Ala837Pro (NM_001321307.1); short protein forms A837P.
Identifiers: ClinVar variation 3407128 (VCV003407128.1).